The following is an entry in ClinVar:

Conditions:
Long QT syndrome 5 (LQT5). Identifiers: Orphanet 101016, Orphanet 768, MedGen C1867904, MONDO:0013372, OMIM 613695.

Submission:

Roden Lab, Vanderbilt University Medical Center
No classification provided (evidence only). Condition: Long QT syndrome 5. Review status: no classification provided. Collection method: in vitro. Allele origin: not applicable. Functional consequence: Effect on ion channel function.
ClinVar note: "not provided" was previously submitted as the classification for the variant. However, the classification appeared to be based only on an observation of functional data so it was converted to no classification on 2025-07-30.

NM_000219.6(KCNE1):c.58A>G (p.Thr20Ala)

Gene: KCNE1 (potassium voltage-gated channel subfamily E regulatory subunit 1; minus strand). Cytogenetic location: 21q22.12.
Variant type: single nucleotide variant.
Coding change: c.58A>G on transcript NM_000219.6 (MANE Select); coding-DNA position 58, A replaced by G.
Protein change: p.Thr20Ala; replaces threonine 20 with alanine.
Molecular consequence: missense variant.
Genome position (GRCh38, 1-based): chr21:34,449,577, T>C on the plus strand (A>G on the coding strand, the complement: KCNE1 is on the minus strand). VCF-style: chr21-34449577-T-C. GRCh37 (hg19) VCF-style: chr21-35821875-T-C.
Other names: c.58A>G, p.Thr20Ala (NM_001127668.4, NM_001127669.4, NM_001127670.4 and 4 more transcripts); short protein forms T20A.
Identifiers: ClinVar variation 3373931 (VCV003373931.2).